The following is an entry in ClinVar:

ClinVar aggregate classification (germline): Uncertain significance. Review status: criteria provided, multiple submitters, no conflicts (2 of 4 stars). 2 submissions from 2 submitters: Uncertain significance (2). Last evaluated 2026-06-01.

Conditions:
Inborn genetic diseases. Identifiers: MedGen C0950123, MeSH D030342.
Chromosome 2q32-q33 deletion syndrome (GLASS). Also called: Glass syndrome; 2q33.1 deletion syndrome. Identifiers: Orphanet 251019, MedGen C2676739, MONDO:0012864, OMIM 612313.

Allele frequency attached by ClinVar (database versions not stated): gnomAD exomes below 0.00001 and 0.00001; ExAC 0.00001.
gnomAD v4.1: 3 of 1,614,140 alleles (0.00019%); highest among the groups gnomAD compares: Non-Finnish European, 0.00025%; no homozygotes.

Submissions (2):

Ambry Genetics
Classification: Uncertain significance for Inborn genetic diseases. Last evaluated: 2026-06-01. Review status: criteria provided, single submitter. Criteria: Ambry Variant Classification Scheme 2023. Collection method: clinical testing. Allele origin: germline.
Comment: The c.2174C>T (p.A725V) alteration is located in exon 12 (coding exon 10) of the SATB2 gene. This alteration results from a C to T substitution at nucleotide position 2174, causing the alanine (A) at amino acid position 725 to be replaced by a valine (V). Based on data from gnomAD, the T allele has an overall frequency of <0.001% (1/250708) total alleles studied. The highest observed frequency was 0.001% (1/113040) of European (non-Finnish) alleles. This amino acid position is well conserved in available vertebrate species. This alteration is predicted to be tolerated by in silico analysis. Based on insufficient or conflicting evidence, the clinical significance of this alteration remains unclear.

Labcorp Genetics (formerly Invitae), Labcorp
Classification: Uncertain significance for Chromosome 2q32-q33 deletion syndrome. Last evaluated: 2021-08-27. Review status: criteria provided, single submitter. Criteria: Invitae Variant Classification Sherloc (09022015). Collection method: clinical testing. Allele origin: germline.

NM_001172509.2(SATB2):c.2174C>T (p.Ala725Val)

Genes: SATB2 (SATB homeobox 2; minus strand), LOC126806462 (MED14-independent group 3 enhancer GRCh37_chr2:200136608-200137807; plus strand). Cytogenetic location: 2q33.1.
Variant type: single nucleotide variant.
Coding change: c.2174C>T on transcript NM_001172509.2 (MANE Select); coding-DNA position 2174, C replaced by T.
Protein change: p.Ala725Val; replaces alanine 725 with valine.
Molecular consequence: missense variant.
Genome position (GRCh38, 1-based): chr2:199,272,239, G>A on the plus strand (C>T on the coding strand, the complement: SATB2 is on the minus strand). VCF-style: chr2-199272239-G-A. GRCh37 (hg19) VCF-style: chr2-200136962-G-A.
Other names: c.2174C>T, p.Ala725Val (NM_001172517.1, NM_015265.4); short protein forms A725V.
Identifiers: ClinVar variation 938268 (VCV000938268.9), dbSNP rs767329844, ClinGen allele CA2045747.